The following is an entry in ClinVar:

NM_000532.5(PCCB):c.814C>T (p.Arg272Trp)

Gene: PCCB (propionyl-CoA carboxylase subunit beta; plus strand). Cytogenetic location: 3q22.3.
Variant type: single nucleotide variant.
Coding change: c.814C>T on transcript NM_000532.5 (MANE Select); coding-DNA position 814, C replaced by T.
Protein change: p.Arg272Trp; replaces arginine 272 with tryptophan.
Molecular consequence: missense variant.
Genome position (GRCh38, 1-based): chr3:136,298,002, C>T. VCF-style: chr3-136298002-C-T. GRCh37 (hg19) VCF-style: chr3-136016844-C-T.
Other names: c.814C>T (NM_000532.4); c.874C>T, p.Arg292Trp (NM_001178014.2); short protein forms R292W, R272W.
Identifiers: ClinVar variation 1416039 (VCV001416039.7), dbSNP rs375999824, ClinGen allele CA2631879.
Genomic context (GRCh38, chr3:136,298,002, plus strand): 5'-GTTCTCTTAGGTGTGGCCCACAGAGCTTTTGAAAATGATGTTGATGCCTTGTGTAATCTC[C>T]GGGATTTCTTCAACTACCTGCCCCTGAGCAGTCAGGACCCGGCTCCCGTCCGTGAGTGCC-3'
Protein context (NP_000523.2, residues 262-282): ENDVDALCNL[Arg272Trp]DFFNYLPLSS

ClinVar aggregate classification (germline): Conflicting classifications of pathogenicity. Review status: criteria provided, conflicting classifications (1 of 4 stars). 4 submissions from 4 submitters: Likely pathogenic (2); Uncertain significance (2). Last evaluated 2026-04-24.

Conditions:
Propionic acidemia (PROP). Also called: GLYCINEMIA, KETOTIC; HYPERGLYCINEMIA WITH KETOACIDOSIS AND LEUKOPENIA; KETOTIC HYPERGLYCINEMIA. Identifiers: Orphanet 35, MedGen C0268579, MONDO:0011628, OMIM 606054, HP:0003571.

Allele frequency attached by ClinVar (database versions not stated): gnomAD 0.00001 and 0.00002; TOPMed 0.00002; ESP Exome Variant Server 0.00008.
gnomAD v4.1: 30 of 1,614,002 alleles (0.0019%); highest among the groups gnomAD compares: African/African-American, 0.004%; no homozygotes.

Submissions (4):

Myriad Genetics, Inc.
Classification: Uncertain significance for Propionic acidemia. Last evaluated: 2026-04-24. Review status: criteria provided, single submitter. Criteria: Myriad Autosomal Dominant, Autosomal Recessive and X-Linked Classification Criteria (2023). Collection method: clinical testing. Allele origin: unknown.
Comment: NM_000532.4(PCCB):c.814C>T(R272W) is a missense variant classified as a variant of uncertain significance in the context of PCCB-related propionic acidemia. R272W has been observed in a case with relevant disease (PMID: 30274917). Relevant functional assessments of this variant are available in the literature (PMID: 30274917). R272W has been observed in referenced population frequency databases. In summary, there is insufficient evidence to classify NM_000532.4(PCCB):c.814C>T(R272W) as pathogenic or benign. Please note: this variant was assessed in the context of healthy population screening.

Natera, Inc.
Classification: Likely pathogenic for Propionic acidemia. Last evaluated: 2025-07-22. Review status: criteria provided, single submitter. Criteria: Natera Variant Classification Schema (03/2026). Collection method: clinical testing. Allele origin: germline.
Comment: The c.814C>T variant in PCCB is a missense variant predicted to cause substitution of arginine to tryptophan at amino acid 272. This variant is rare in the general population with a frequency below the threshold expected for the associated phenotype(s). This variant has been observed in one or more individuals affected with the associated recessive disease, as either homozygous or compound heterozygous with a second variant (PMID: 30274917). This variant has been identified in one or more affected individuals with a phenotype highly consistent with the associated gene (PMID: 30274917). Computational prediction algorithms indicate this variant is likely to affect gene or protein function. Given the available evidence, this variant is classified as Likely Pathogenic.

Baylor Genetics
Classification: Likely pathogenic for Propionic acidemia. Last evaluated: 2024-02-12. Review status: criteria provided, single submitter. Criteria: ACMG Guidelines, 2015. Collection method: clinical testing. Allele origin: unknown.

Labcorp Genetics (formerly Invitae), Labcorp
Classification: Uncertain significance for Propionic acidemia. Last evaluated: 2022-07-25. Review status: criteria provided, single submitter. Criteria: Invitae Variant Classification Sherloc (09022015). Collection method: clinical testing. Allele origin: germline.
Comment: This sequence change replaces arginine, which is basic and polar, with tryptophan, which is neutral and slightly polar, at codon 272 of the PCCB protein (p.Arg272Trp). This variant is present in population databases (rs375999824, gnomAD 0.007%). This variant has not been reported in the literature in individuals affected with PCCB-related conditions. ClinVar contains an entry for this variant (Variation ID: 1416039). Algorithms developed to predict the effect of missense changes on protein structure and function (SIFT, PolyPhen-2, Align-GVGD) all suggest that this variant is likely to be disruptive. Experimental studies have shown that this missense change affects PCCB function (PMID: 30274917). In summary, the available evidence is currently insufficient to determine the role of this variant in disease. Therefore, it has been classified as a Variant of Uncertain Significance.

Literature cited by the submitters: PubMed 30274917 (cited by 3 submitters).